The following is an entry in ClinVar:

ClinVar aggregate classification (germline): Uncertain significance (1 of 4 stars; one submission).

Allele frequency attached by ClinVar (database versions not stated): TOPMed below 0.00001.
gnomAD v4.1: 3 of 1,587,222 alleles (0.00019%); highest among the groups gnomAD compares: Admixed American, 0.0052%; no homozygotes.

Submission:

Labcorp Genetics (formerly Invitae), Labcorp
Classification: Uncertain significance. Last evaluated: 2023-06-10. Review status: criteria provided, single submitter. Criteria: Invitae Variant Classification Sherloc (09022015). Collection method: clinical testing. Allele origin: germline.
Comment: This variant is present in population databases (no rsID available, gnomAD 0.006%). This sequence change falls in intron 6 of the KCNH1 gene. It does not directly change the encoded amino acid sequence of the KCNH1 protein. It affects a nucleotide within the consensus splice site. This variant has not been reported in the literature in individuals affected with KCNH1-related conditions. In summary, the available evidence is currently insufficient to determine the role of this variant in disease. Therefore, it has been classified as a Variant of Uncertain Significance. Variants that disrupt the consensus splice site are a relatively common cause of aberrant splicing (PMID: 17576681, 9536098). Algorithms developed to predict the effect of sequence changes on RNA splicing suggest that this variant is not likely to affect RNA splicing.

Literature cited by the submitters: PubMed 17576681; PubMed 9536098.

NM_172362.3(KCNH1):c.1032+5A>C

Gene: KCNH1 (potassium voltage-gated channel subfamily H member 1; minus strand). Cytogenetic location: 1q32.2.
Variant type: single nucleotide variant.
Coding change: c.1032+5A>C on transcript NM_172362.3 (MANE Select); 5 bases into the intron after coding-DNA position 1032, A replaced by C.
Molecular consequence: intron variant.
Genome position (GRCh38, 1-based): chr1:211,018,778, T>G on the plus strand (A>C on the coding strand, the complement: KCNH1 is on the minus strand). VCF-style: chr1-211018778-T-G. GRCh37 (hg19) VCF-style: chr1-211192120-T-G.
Other names: c.951+86A>C (NM_002238.4).
Identifiers: ClinVar variation 3023789 (VCV003023789.3), dbSNP rs936224812, ClinGen allele CA37149610.